The following is an entry in ClinVar:

ClinVar aggregate classification (germline): Uncertain significance (1 of 4 stars; one submission).

Submission:

GeneDx
Classification: Uncertain significance. Last evaluated: 2024-12-06. Review status: criteria provided, single submitter. Criteria: GeneDx Variant Classification Process June 2021. Collection method: clinical testing. Allele origin: germline. Affected: yes.
Comment: Not observed at significant frequency in large population cohorts (gnomAD); In silico analysis supports that this missense variant has a deleterious effect on protein structure/function; Has not been previously published as pathogenic or benign to our knowledge

NM_197968.4(ZMYM2):c.3040G>C (p.Ala1014Pro)

Gene: ZMYM2 (zinc finger MYM-type containing 2; plus strand). Cytogenetic location: 13q12.11.
Variant type: single nucleotide variant.
Coding change: c.3040G>C on transcript NM_197968.4 (MANE Select); coding-DNA position 3040, G replaced by C.
Protein change: p.Ala1014Pro; replaces alanine 1014 with proline.
Molecular consequence: missense variant. On other transcripts: non-coding transcript variant (1).
Genome position (GRCh38, 1-based): chr13:20,064,453, G>C. VCF-style: chr13-20064453-G-C. GRCh37 (hg19) VCF-style: chr13-20638593-G-C.
Other names: c.3040G>C, p.Ala1014Pro (NM_001190964.4, NM_001190965.4, NM_001353157.2 and 5 more transcripts); c.2845G>C, p.Ala949Pro (NM_001353161.3); c.2779G>C, p.Ala927Pro (NM_001353163.2); short protein forms A1014P, A927P, A949P.
Identifiers: ClinVar variation 3901375 (VCV003901375.1).